The following is an entry in ClinVar:

NM_012424.6(RPS6KC1):c.1982G>A (p.Ser661Asn)

Gene: RPS6KC1 (ribosomal protein S6 kinase C1; plus strand). Cytogenetic location: 1q32.3.
Variant type: single nucleotide variant.
Coding change: c.1982G>A on transcript NM_012424.6 (MANE Select); coding-DNA position 1982, G replaced by A.
Protein change: p.Ser661Asn; replaces serine 661 with asparagine.
Molecular consequence: missense variant. On other transcripts: non-coding transcript variant (4).
Genome position (GRCh38, 1-based): chr1:213,241,458, G>A. VCF-style: chr1-213241458-G-A. GRCh37 (hg19) VCF-style: chr1-213414801-G-A.
Other names: c.1946G>A, p.Ser649Asn (NM_001136138.4); c.1346G>A, p.Ser449Asn (NM_001287218.3, NM_001287219.3, NM_001349654.2); c.587G>A, p.Ser196Asn (NM_001287220.3, NM_001349663.2, NM_001349664.2 and 8 more transcripts); c.1439G>A, p.Ser480Asn (NM_001287221.3, NM_001349648.2, NM_001349649.2 and 4 more transcripts); c.1889G>A, p.Ser630Asn (NM_001349646.2); c.1619G>A, p.Ser540Asn (NM_001349647.2); c.1091G>A, p.Ser364Asn (NM_001349657.2, NM_001349658.2); c.926G>A, p.Ser309Asn (NM_001349659.2, NM_001349660.2, NM_001349661.2 and 1 more transcripts); short protein forms S630N, S661N, S309N, S364N, S449N, S649N, S196N, S480N.
Identifiers: ClinVar variation 1936069 (VCV001936069.6), dbSNP rs1312354790, ClinGen allele CA344890818.

ClinVar aggregate classification (germline): Uncertain significance. Review status: criteria provided, multiple submitters, no conflicts (2 of 4 stars). 2 submissions from 2 submitters: Uncertain significance (2). Last evaluated 2024-02-27.

Allele frequency attached by ClinVar (database versions not stated): gnomAD 0.00001; gnomAD exomes 0.00001; TOPMed 0.00002.
gnomAD v4.1: 8 of 1,613,872 alleles (0.0005%); highest among the groups gnomAD compares: Non-Finnish European, 0.00068%; no homozygotes.

Submissions (2):

Ambry Genetics
Classification: Uncertain significance. Last evaluated: 2024-02-27. Review status: criteria provided, single submitter. Criteria: Ambry Variant Classification Scheme 2023. Collection method: clinical testing. Allele origin: germline.

Labcorp Genetics (formerly Invitae), Labcorp
Classification: Uncertain significance. Last evaluated: 2022-06-15. Review status: criteria provided, single submitter. Criteria: Invitae Variant Classification Sherloc (09022015). Collection method: clinical testing. Allele origin: germline.
Comment: This variant is not present in population databases (gnomAD no frequency). This sequence change replaces serine, which is neutral and polar, with asparagine, which is neutral and polar, at codon 661 of the RPS6KC1 protein (p.Ser661Asn). In summary, the available evidence is currently insufficient to determine the role of this variant in disease. Therefore, it has been classified as a Variant of Uncertain Significance. Algorithms developed to predict the effect of missense changes on protein structure and function are either unavailable or do not agree on the potential impact of this missense change (SIFT: "Tolerated"; PolyPhen-2: "Probably Damaging"; Align-GVGD: "Class C0"). This variant has not been reported in the literature in individuals affected with RPS6KC1-related conditions.